The following is an entry in ClinVar:

NM_001366385.1(CARD14):c.1471G>A (p.Asp491Asn)

Gene: CARD14 (caspase recruitment domain family member 14; plus strand). Cytogenetic location: 17q25.3.
Variant type: single nucleotide variant.
Coding change: c.1471G>A on transcript NM_001366385.1 (MANE Select); coding-DNA position 1471, G replaced by A.
Protein change: p.Asp491Asn; replaces aspartic acid 491 with asparagine.
Molecular consequence: missense variant. On other transcripts: non-coding transcript variant (1).
Genome position (GRCh38, 1-based): chr17:80,195,305, G>A. VCF-style: chr17-80195305-G-A. GRCh37 (hg19) VCF-style: chr17-78169104-G-A.
Other names: c.1471G>A (NM_024110.3); c.1471G>A, p.Asp491Asn (NM_024110.4, NM_001257970.1); c.760G>A, p.Asp254Asn (NM_052819.3); short protein forms D491N, D254N.
Identifiers: ClinVar variation 567346 (VCV000567346.10), dbSNP rs149030007, ClinGen allele CA8816838.

ClinVar aggregate classification (germline): Uncertain significance. Review status: criteria provided, multiple submitters, no conflicts (2 of 4 stars). 2 submissions from 2 submitters: Uncertain significance (2). Last evaluated 2025-04-18.

Conditions:
Pityriasis rubra pilaris (PRP). Also called: Pityriasis rubra pilaris--familial type. Identifiers: Orphanet 2897, MedGen C0032027, MONDO:0100017, OMIM 173200, MONDO:0008251.
Psoriasis 2. Identifiers: MedGen C1864497, MONDO:0011269, OMIM 602723.
Inborn genetic diseases. Identifiers: MedGen C0950123, MeSH D030342.

Allele frequency attached by ClinVar (database versions not stated): TOPMed below 0.00001; gnomAD exomes 0.00001; ExAC 0.00002; ESP Exome Variant Server 0.00008.

Submissions (2):

Ambry Genetics
Classification: Uncertain significance for Inborn genetic diseases. Last evaluated: 2025-04-18. Review status: criteria provided, single submitter. Criteria: Ambry Variant Classification Scheme 2023. Collection method: clinical testing. Allele origin: germline.

Labcorp Genetics (formerly Invitae), Labcorp
Classification: Uncertain significance for Pityriasis rubra pilaris; Psoriasis 2. Last evaluated: 2023-12-19. Review status: criteria provided, single submitter. Criteria: Invitae Variant Classification Sherloc (09022015). Collection method: clinical testing. Allele origin: germline.
Comment: This sequence change replaces aspartic acid, which is acidic and polar, with asparagine, which is neutral and polar, at codon 491 of the CARD14 protein (p.Asp491Asn). This variant is present in population databases (rs149030007, gnomAD 0.002%). This variant has not been reported in the literature in individuals affected with CARD14-related conditions. ClinVar contains an entry for this variant (Variation ID: 567346). Advanced modeling of protein sequence and biophysical properties (such as structural, functional, and spatial information, amino acid conservation, physicochemical variation, residue mobility, and thermodynamic stability) performed at Invitae indicates that this missense variant is expected to disrupt CARD14 protein function with a positive predictive value of 80%. In summary, the available evidence is currently insufficient to determine the role of this variant in disease. Therefore, it has been classified as a Variant of Uncertain Significance.